The following is an entry in ClinVar:

NC_000016.9:g.(?_5121851)_(5127555_?)dup

Gene: ALG1 (ALG1 chitobiosyldiphosphodolichol beta-mannosyltransferase; plus strand). Cytogenetic location: 16p13.3.
Variant type: Duplication.
Identifiers: ClinVar variation 1430317 (VCV001430317.5).

ClinVar aggregate classification (germline): Uncertain significance (1 of 4 stars; one submission).

Conditions:
ALG1-congenital disorder of glycosylation. Also called: CDG Ik; ALG1-CDG; CONGENITAL DISORDER OF GLYCOSYLATION, TYPE Ik. Identifiers: Orphanet 79327, MedGen C2931005, MONDO:0012052, OMIM 608540.

Submission:

Labcorp Genetics (formerly Invitae), Labcorp
Classification: Uncertain significance for ALG1-congenital disorder of glycosylation. Last evaluated: 2022-07-12. Review status: criteria provided, single submitter. Criteria: Invitae Variant Classification Sherloc (09022015). Collection method: clinical testing. Allele origin: germline.
Comment: Experimental studies and prediction algorithms are not available or were not evaluated, and the functional significance of this variant is currently unknown. In summary, the available evidence is currently insufficient to determine the role of this variant in disease. Therefore, it has been classified as a Variant of Uncertain Significance. This variant has not been reported in the literature in individuals affected with ALG1-related conditions. This variant results in a copy number gain of the genomic region encompassing exon(s) 1-5 of the ALG1 gene. This region includes the initiator codon of the gene. This copy number gain extends beyond the assayed region for this gene and therefore may encompass additional genes. As the precise location of this event is unknown, it may be in tandem or it may be located elsewhere in the genome.